The following is an entry in ClinVar:

NM_000158.4(GBE1):c.1854del (p.Ala619fs)

Gene: GBE1 (1,4-alpha-glucan branching enzyme 1; minus strand). Cytogenetic location: 3p12.2.
Variant type: Deletion.
Coding change: c.1854del on transcript NM_000158.4 (MANE Select); coding-DNA position 1854, one base deleted (A; older notation c.1854delA).
Protein change: p.Ala619fs; shifts the reading frame from alanine 619.
Molecular consequence: frameshift variant.
Genome position (GRCh38, 1-based): chr3:81,535,275, T deleted on the plus strand (A on the coding strand, the reverse complement: GBE1 is on the minus strand). VCF-style (leftmost placement, unchanged base first): chr3-81535274-CT-C. GRCh37 (hg19) VCF-style: chr3-81584425-CT-C.
Other names: short protein forms A619fs.
Identifiers: ClinVar variation 2065260 (VCV002065260.4), dbSNP rs2471673344, ClinGen allele CA2580070452.

ClinVar aggregate classification (germline): Pathogenic (1 of 4 stars; one submission).

Conditions:
Glycogen storage disease, type IV (GSD4). Also called: Glycogen storage disease due to glycogen branching enzyme deficiency; AMYLOPECTINOSIS; ANDERSEN DISEASE; BRANCHER DEFICIENCY; CIRRHOSIS, FAMILIAL, WITH DEPOSITION OF ABNORMAL GLYCOGEN; GBE1 DEFICIENCY. Identifiers: Orphanet 367, MedGen C0017923, MONDO:0009292, OMIM 232500.
Glycogen storage disease IV, classic hepatic. Also called: GSD IV, CLASSIC HEPATIC. Identifiers: MedGen C1856301.

Submission:

Labcorp Genetics (formerly Invitae), Labcorp
Classification: Pathogenic for Glycogen storage disease, type IV; Glycogen storage disease IV, classic hepatic. Last evaluated: 2022-06-04. Review status: criteria provided, single submitter. Criteria: Invitae Variant Classification Sherloc (09022015). Collection method: clinical testing. Allele origin: germline.
Comment: For these reasons, this variant has been classified as Pathogenic. This variant has not been reported in the literature in individuals affected with GBE1-related conditions. This variant is not present in population databases (gnomAD no frequency). This sequence change creates a premature translational stop signal (p.Ala619Glnfs*32) in the GBE1 gene. It is expected to result in an absent or disrupted protein product. Loss-of-function variants in GBE1 are known to be pathogenic (PMID: 15452297, 20058079).

Literature cited by the submitters: PubMed 15452297; PubMed 20058079.